The following is an entry in ClinVar:

NM_001134831.2(AHI1):c.1260G>A (p.Trp420Ter)

Gene: AHI1 (Abelson helper integration site 1; minus strand). Cytogenetic location: 6q23.3.
Variant type: single nucleotide variant.
Coding change: c.1260G>A on transcript NM_001134831.2 (MANE Select); coding-DNA position 1260, G replaced by A.
Protein change: p.Trp420Ter; replaces tryptophan 420 with a stop codon.
Molecular consequence: nonsense.
Genome position (GRCh38, 1-based): chr6:135,455,818, C>T on the plus strand (G>A on the coding strand, the complement: AHI1 is on the minus strand). VCF-style: chr6-135455818-C-T. GRCh37 (hg19) VCF-style: chr6-135776956-C-T.
Other names: c.1260G>A (NM_017651.4); c.1260G>A, p.Trp420Ter (NM_001134830.2, NM_001134832.2, NM_001350503.2 and 2 more transcripts); short protein forms W420*.
Identifiers: ClinVar variation 217543 (VCV000217543.15), dbSNP rs863225143, ClinGen allele CA279421.
Genomic context (GRCh38, chr6:135,455,818, plus strand): 5'-ACTCTCATCAGAGCCTCGAAGCAAATAGGGAAAATTTTCATTAAATACAATTTGTTCTTC[C>T]CACTCTGGAAGTCTTGATTTTAACTGTTTAAAATCATATGGCTGGGTCATAATAGGAAGA-3'

ClinVar aggregate classification (germline): Pathogenic. Review status: criteria provided, multiple submitters, no conflicts (2 of 4 stars). 9 submissions from 9 submitters: Pathogenic (8). 1 of the submissions does not count toward it. Last evaluated 2025-10-02.

Conditions:
Joubert syndrome 3 (JBTS3). Also called: AHI1-related Ciliopathy. Identifiers: Orphanet 220493, MedGen C1837713, MONDO:0012078, OMIM 608629.
AHI1-related disorder. Also called: AHI1-related condition.
Joubert syndrome and related disorders. Identifiers: Orphanet 140874, MedGen C5679612, MONDO:0015369.
Joubert syndrome. Also called: Familial aplasia of the vermis; JOUBERT-BOLTSHAUSER SYNDROME. Identifiers: Orphanet 475, MedGen C5979921, MONDO:0018772.

Allele frequency attached by ClinVar (database versions not stated): TOPMed below 0.00001; gnomAD exomes 0.00004 and 0.00001; gnomAD 0.00001.
gnomAD v4.1: 53 of 1,600,720 alleles (0.0033%); highest among the groups gnomAD compares: Non-Finnish European, 0.0044%; no homozygotes.

Submissions (9):

PreventionGenetics, part of Exact Sciences
Classification: Pathogenic for AHI1-related condition. Last evaluated: 2025-10-02. Review status: criteria provided, single submitter. Criteria: ACMG Guidelines, 2015. Collection method: clinical testing. Allele origin: germline.
Comment: The AHI1 c.1260G>A variant is predicted to result in premature protein termination (p.Trp420*). This variant was reported in an individual with Joubert syndrome (supplementary data, Bachmann-Gagescu et al 2015. PubMed ID: 26092869). This variant is reported in 0.0029% of alleles in individuals of European (Non-Finnish) descent in gnomAD. Nonsense variants in AHI1 are expected to be pathogenic. This variant is interpreted as pathogenic.

Women's Health and Genetics/Laboratory Corporation of America, LabCorp
Classification: Pathogenic for Joubert syndrome and related disorders. Last evaluated: 2024-12-26. Review status: criteria provided, single submitter. Criteria: LabCorp Variant Classification Summary - May 2015. Collection method: clinical testing. Allele origin: germline.
Comment: Variant summary: AHI1 c.1260G>A (p.Trp420X) results in a premature termination codon, predicted to cause a truncation of the encoded protein or absence of the protein due to nonsense mediated decay, which are commonly known mechanisms for disease. The variant allele was found at a frequency of 1.3e-05 in 230596 control chromosomes. c.1260G>A has been reported in the literature in individuals affected with Joubert Syndrome And Related Disorders (e.g. Bachmann-Gagescu_2015). To our knowledge, no experimental evidence demonstrating an impact on protein function has been reported. The following publication have been ascertained in the context of this evaluation (PMID: 26092869). ClinVar contains an entry for this variant (Variation ID: 217543). Based on the evidence outlined above, the variant was classified as pathogenic.

Blueprint Genetics
Classification: Pathogenic for AHI1-related disorders. Last evaluated: 2024-08-06. Review status: criteria provided, single submitter. Criteria: ACMG Guidelines, 2015. Collection method: clinical testing. Allele origin: germline. Affected: yes. Observed: 5 variant alleles.

Myriad Genetics, Inc.
Classification: Pathogenic for Joubert syndrome 3. Last evaluated: 2024-05-02. Review status: criteria provided, single submitter. Criteria: Myriad Autosomal Dominant, Autosomal Recessive and X-Linked Classification Criteria (2023). Collection method: clinical testing. Allele origin: unknown.
Comment: NM_001134831.1(AHI1):c.1260G>A(W420*) is expected to be pathogenic in the context of Joubert syndrome, AHI1-related. This variant is predicted to lead to an abnormal or absent protein product due to the creation of a premature termination codon in AHI1, a gene where loss-of-function variants are known to be pathogenic. Please note: this variant was assessed in the context of healthy population screening.

Labcorp Genetics (formerly Invitae), Labcorp
Classification: Pathogenic for Joubert syndrome. Last evaluated: 2023-11-18. Review status: criteria provided, single submitter. Criteria: Invitae Variant Classification Sherloc (09022015). Collection method: clinical testing. Allele origin: germline.
Comment: This sequence change creates a premature translational stop signal (p.Trp420*) in the AHI1 gene. It is expected to result in an absent or disrupted protein product. Loss-of-function variants in AHI1 are known to be pathogenic (PMID: 15322546, 16453322, 28442542, 29186038). This variant is present in population databases (no rsID available, gnomAD 0.003%). This premature translational stop signal has been observed in individual(s) with Joubert syndrome (PMID: 26092869). ClinVar contains an entry for this variant (Variation ID: 217543). For these reasons, this variant has been classified as Pathogenic.

GeneDx
Classification: Pathogenic. Last evaluated: 2023-05-31. Review status: criteria provided, single submitter. Criteria: GeneDx Variant Classification Process June 2021. Collection method: clinical testing. Allele origin: germline. Affected: yes.
Comment: Nonsense variant predicted to result in protein truncation or nonsense mediated decay in a gene for which loss of function is a known mechanism of disease; Not observed at significant frequency in large population cohorts (gnomAD); This variant is associated with the following publications: (PMID: 34758253, 31589614, 28442542, 29186038, 15322546, 16453322, 26092869)

Fulgent Genetics
Classification: Pathogenic for Joubert syndrome 3. Last evaluated: 2018-10-31. Review status: criteria provided, single submitter. Criteria: ACMG Guidelines, 2015. Collection method: clinical testing. Allele origin: unknown.

UW Hindbrain Malformation Research Program, University of Washington
Classification: Pathogenic for Joubert syndrome 3. Last evaluated: 2015-02-23. Review status: criteria provided, single submitter. Criteria: Bachmann-Gagescu et al. (J Med Genet. 2015). Collection method: research. Allele origin: unknown. Affected: yes.

Genomics England Pilot Project, Genomics England
Classification: Pathogenic for Joubert syndrome 3. Review status: no assertion criteria provided. Criteria: ACGS Guidelines, 2016. Collection method: clinical testing. Allele origin: germline. Affected: yes. Not counted in ClinVar's aggregate classification.

Literature cited by the submitters: PubMed 26092869 (cited by Women's Health and Genetics/Laboratory Corporation of America, LabCorp and Labcorp Genetics (formerly Invitae), Labcorp); PubMed 15322546 (cited by Labcorp Genetics (formerly Invitae), Labcorp); PubMed 16453322 (cited by Labcorp Genetics (formerly Invitae), Labcorp); PubMed 28442542 (cited by Labcorp Genetics (formerly Invitae), Labcorp); PubMed 29186038 (cited by Labcorp Genetics (formerly Invitae), Labcorp).